The following is an entry in ClinVar:

ClinVar aggregate classification (germline): Uncertain significance. Review status: criteria provided, multiple submitters, no conflicts (2 of 4 stars). 3 submissions from 3 submitters: Uncertain significance (3). Last evaluated 2025-02-12.

Conditions:
Marfan syndrome (MFS). Also called: Marfan syndrome, classic; Marfan syndrome type 1; Marfan's syndrome; FBN1-Related Marfan Syndrome; MARFAN SYNDROME, TYPE I. Identifiers: Orphanet 284963, Orphanet 558, MedGen C0024796, MONDO:0007947, OMIM 154700.
Familial thoracic aortic aneurysm and aortic dissection (TAAD). Also called: Thoracic aortic aneurysms and dissections. Identifiers: Orphanet 91387, MedGen C4707243, MONDO:0019625.

Allele frequency attached by ClinVar (database versions not stated): gnomAD 0.00001.
gnomAD v4.1: 1 of 1,613,772 alleles (0.000062%); highest among the groups gnomAD compares: Non-Finnish European, 0.000085%; no homozygotes.

Submissions (3):

Labcorp Genetics (formerly Invitae), Labcorp
Classification: Uncertain significance for Marfan syndrome; Familial thoracic aortic aneurysm and aortic dissection. Last evaluated: 2025-02-12. Review status: criteria provided, single submitter. Criteria: Invitae Variant Classification Sherloc (09022015). Collection method: clinical testing. Allele origin: germline.
Comment: This sequence change replaces leucine, which is neutral and non-polar, with valine, which is neutral and non-polar, at codon 2845 of the FBN1 protein (p.Leu2845Val). This variant is not present in population databases (gnomAD no frequency). This variant has not been reported in the literature in individuals affected with FBN1-related conditions. ClinVar contains an entry for this variant (Variation ID: 922325). Invitae Evidence Modeling of protein sequence and biophysical properties (such as structural, functional, and spatial information, amino acid conservation, physicochemical variation, residue mobility, and thermodynamic stability) indicates that this missense variant is not expected to disrupt FBN1 protein function with a negative predictive value of 95%. In summary, the available evidence is currently insufficient to determine the role of this variant in disease. Therefore, it has been classified as a Variant of Uncertain Significance.

All of Us Research Program, National Institutes of Health
Classification: Uncertain significance for Marfan syndrome. Last evaluated: 2024-05-14. Review status: criteria provided, single submitter. Criteria: ACMG Guidelines, 2015. Collection method: clinical testing. Allele origin: germline. Inheritance: Autosomal dominant inheritance. Observed: 1 variant allele, 1 heterozygote.
Comment: Variant of Uncertain Significance due to insufficient evidence: This missense variant replaces leucine with valine in the C-terminal region of the FBN1 protein. Computational prediction tools and conservation analyses are inconclusive regarding the impact of this variant on the protein function. Computational splicing tools suggest that this variant may not impact RNA splicing. To our knowledge, functional assays have not been performed for this variant nor has this variant been reported in individuals affected with cardiovascular disorders in the literature. This variant is rare in the general population and has been identified in 0/277264 chromosomes by the Genome Aggregation Database (gnomAD). Available evidence is insufficient to determine the pathogenicity of this variant conclusively.

This study involves interpretation of variants in research participants for the purpose of population health screening. Participant phenotype was not available at the time of variant classification. Additional details can be found in publication PMID: 35346344, PMCID: PMC8962531

Color Diagnostics, LLC DBA Color Health
Classification: Uncertain significance for Familial thoracic aortic aneurysm and aortic dissection. Last evaluated: 2023-12-04. Review status: criteria provided, single submitter. Criteria: ACMG Guidelines, 2015. Collection method: clinical testing. Allele origin: germline.
Comment: Variant of Uncertain Significance due to insufficient evidence: This missense variant replaces leucine with valine in the C-terminal region of the FBN1 protein. Computational prediction tools and conservation analyses are inconclusive regarding the impact of this variant on the protein function. Computational splicing tools suggest that this variant may not impact RNA splicing. To our knowledge, functional assays have not been performed for this variant nor has this variant been reported in individuals affected with cardiovascular disorders in the literature. This variant is rare in the general population and has been identified in 0/277264 chromosomes by the Genome Aggregation Database (gnomAD). Available evidence is insufficient to determine the pathogenicity of this variant conclusively.

NM_000138.5(FBN1):c.8533C>G (p.Leu2845Val)

Gene: FBN1 (fibrillin 1; minus strand). Cytogenetic location: 15q21.1.
Variant type: single nucleotide variant.
Coding change: c.8533C>G on transcript NM_000138.5 (MANE Select); coding-DNA position 8533, C replaced by G.
Protein change: p.Leu2845Val; replaces leucine 2845 with valine.
Molecular consequence: missense variant.
Genome position (GRCh38, 1-based): chr15:48,411,073, G>C on the plus strand (C>G on the coding strand, the complement: FBN1 is on the minus strand). VCF-style: chr15-48411073-G-C. GRCh37 (hg19) VCF-style: chr15-48703270-G-C.
Other names: short protein forms L2845V.
Identifiers: ClinVar variation 922325 (VCV000922325.7), dbSNP rs767060377, ClinGen allele CA269518594.
Genomic context (GRCh38, chr15:48,411,073, plus strand): 5'-TCATCTTCAGATTATCACCCAGTTCACCACTGAGGTAGTCTTTGTCATATTTGTCTTCTA[G>C]TTGGTTAAGTTCTTTCTTTTTATAAAGTGGAGTACTACTGATTTGTAATGAATAGGTTCC-3'
Protein context (NP_000129.3, residues 2835-2855): PLYKKKELNQ[Leu2845Val]EDKYDKDYLS